The following is an entry in ClinVar:

NM_000263.4(NAGLU):c.508G>A (p.Gly170Ser)

Gene: NAGLU (N-acetyl-alpha-glucosaminidase; plus strand). Cytogenetic location: 17q21.2.
Variant type: single nucleotide variant.
Coding change: c.508G>A on transcript NM_000263.4 (MANE Select); coding-DNA position 508, G replaced by A.
Protein change: p.Gly170Ser; replaces glycine 170 with serine.
Molecular consequence: missense variant.
Genome position (GRCh38, 1-based): chr17:42,537,522, G>A. VCF-style: chr17-42537522-G-A. GRCh37 (hg19) VCF-style: chr17-40689540-G-A.
Other names: short protein forms G170S.
Identifiers: ClinVar variation 1406573 (VCV001406573.5), dbSNP rs762238741, ClinGen allele CA8576775.

ClinVar aggregate classification (germline): Uncertain significance (1 of 4 stars; one submission).

Conditions:
Charcot-Marie-Tooth disease axonal type 2V. Also called: CHARCOT-MARIE-TOOTH NEUROPATHY, TYPE 2V; CHARCOT-MARIE-TOOTH DISEASE, AXONAL, AUTOSOMAL DOMINANT, TYPE 2V. Identifiers: Orphanet 447964, MedGen C5569050, MONDO:0014665, OMIM 616491.
Mucopolysaccharidosis, MPS-III-B (MPS3B). Also called: MPS IIIB (Sanfilippo Syndrome Type B); N-ACETYL-ALPHA-D-GLUCOSAMINIDASE DEFICIENCY; NAGLU DEFICIENCY; MUCOPOLYSACCHARIDOSIS, TYPE IIIB; Mucopolysaccharidosis type IIIB (Sanfilippo B); SANFILIPPO SYNDROME B. Identifiers: Orphanet 79270, MedGen C0086648, MONDO:0009656, OMIM 252920.

Allele frequency attached by ClinVar (database versions not stated): gnomAD exomes 0.00001 and below 0.00001; ExAC 0.00002.
gnomAD v4.1: 1 of 1,614,020 alleles (0.000062%); highest among the groups gnomAD compares: Non-Finnish European, 0.000085%; no homozygotes.

Submission:

Labcorp Genetics (formerly Invitae), Labcorp
Classification: Uncertain significance for Charcot-Marie-Tooth disease axonal type 2V; Mucopolysaccharidosis, MPS-III-B. Last evaluated: 2024-10-22. Review status: criteria provided, single submitter. Criteria: Invitae Variant Classification Sherloc (09022015). Collection method: clinical testing. Allele origin: germline.
Comment: This sequence change replaces glycine, which is neutral and non-polar, with serine, which is neutral and polar, at codon 170 of the NAGLU protein (p.Gly170Ser). This variant is present in population databases (rs762238741, gnomAD 0.003%). This variant has not been reported in the literature in individuals affected with NAGLU-related conditions. ClinVar contains an entry for this variant (Variation ID: 1406573). Invitae Evidence Modeling of protein sequence and biophysical properties (such as structural, functional, and spatial information, amino acid conservation, physicochemical variation, residue mobility, and thermodynamic stability) indicates that this missense variant is expected to disrupt NAGLU protein function with a positive predictive value of 95%. This variant disrupts the p.Gly170 amino acid residue in NAGLU. Other variant(s) that disrupt this residue have been observed in individuals with NAGLU-related conditions (PMID: 26907177, 33246910, 33747789), which suggests that this may be a clinically significant amino acid residue. In summary, the available evidence is currently insufficient to determine the role of this variant in disease. Therefore, it has been classified as a Variant of Uncertain Significance.

Literature cited by the submitters: PubMed 26907177; PubMed 33246910; PubMed 33747789.